The following is an entry in ClinVar:

NM_001356.5(DDX3X):c.886C>A (p.Arg296Ser)

Gene: DDX3X (DEAD-box helicase 3 X-linked; plus strand). Cytogenetic location: Xp11.4.
Variant type: single nucleotide variant.
Coding change: c.886C>A on transcript NM_001356.5 (MANE Select); coding-DNA position 886, C replaced by A.
Protein change: p.Arg296Ser; replaces arginine 296 with serine.
Molecular consequence: missense variant. On other transcripts: non-coding transcript variant (1).
Genome position (GRCh38, 1-based): chrX:41,344,260, C>A. VCF-style: chrX-41344260-C-A. GRCh37 (hg19) VCF-style: chrX-41203513-C-A.
Other names: c.886C>A, p.Arg296Ser (NM_001193416.3); c.838C>A, p.Arg280Ser (NM_001193417.3); c.328C>A, p.Arg110Ser (NM_001363819.1); short protein forms R280S, R296S, R110S.
Identifiers: ClinVar variation 2701719 (VCV002701719.3), dbSNP rs2063892136, ClinGen allele CA412770683.

ClinVar aggregate classification (germline): Uncertain significance (1 of 4 stars; one submission).

Allele frequency attached by ClinVar (database versions not stated): gnomAD 0.00001.
gnomAD v4.1: 1 of 1,209,424 alleles (0.000083%); highest among the groups gnomAD compares: African/African-American, 0.0018%; no homozygotes.

Submission:

Labcorp Genetics (formerly Invitae), Labcorp
Classification: Uncertain significance. Last evaluated: 2025-10-13. Review status: criteria provided, single submitter. Criteria: Invitae Variant Classification Sherloc (09022015). Collection method: clinical testing. Allele origin: germline.
Comment: This sequence change replaces arginine, which is basic and polar, with serine, which is neutral and polar, at codon 296 of the DDX3X protein (p.Arg296Ser). This variant is not present in population databases (gnomAD no frequency). This variant has not been reported in the literature in individuals affected with DDX3X-related conditions. ClinVar contains an entry for this variant (Variation ID: 2701719). Experimental studies and prediction algorithms are not available or were not evaluated, and the functional significance of this variant is currently unknown. This variant disrupts the p.Arg296 amino acid residue in DDX3X. Other variant(s) that disrupt this residue have been determined to be pathogenic (PMID: 30349862, 32135084). This suggests that this residue is clinically significant, and that variants that disrupt this residue are likely to be disease-causing. In summary, the available evidence is currently insufficient to determine the role of this variant in disease. Therefore, it has been classified as a Variant of Uncertain Significance.

Literature cited by the submitters: PubMed 30349862; PubMed 32135084.